The following is an entry in ClinVar:

NM_004329.3(BMPR1A):c.318T>G (p.Ser106=)

Gene: BMPR1A (bone morphogenetic protein receptor type 1A; plus strand). Cytogenetic location: 10q23.2.
Variant type: single nucleotide variant.
Coding change: c.318T>G on transcript NM_004329.3 (MANE Select); coding-DNA position 318, T replaced by G.
Protein change: p.Ser106=; no amino-acid change (serine 106 retained).
Molecular consequence: synonymous variant. On other transcripts: non-coding transcript variant (3).
Genome position (GRCh38, 1-based): chr10:86,892,214, T>G. VCF-style: chr10-86892214-T-G. GRCh37 (hg19) VCF-style: chr10-88651971-T-G.
Other names: c.318T>G, p.Ser106= (NM_001406573.1, NM_001406574.1, NM_001406575.1 and 23 more transcripts); c.234T>G, p.Ser78= (NM_001406584.1, NM_001406585.1, NM_001406586.1 and 2 more transcripts).
Identifiers: ClinVar variation 3378826 (VCV003378826.1).

ClinVar aggregate classification (germline): Benign (1 of 4 stars; one submission).

Conditions:
Juvenile polyposis syndrome (JPS). Identifiers: Orphanet 2929, MedGen C0345893, MONDO:0017380, OMIM 174900.

gnomAD v4.1: 8 of 1,613,100 alleles (0.0005%); highest among the groups gnomAD compares: South Asian, 0.0088%; no homozygotes.

Submission:

Myriad Genetics, Inc.
Classification: Benign for Juvenile polyposis syndrome. Last evaluated: 2024-07-31. Review status: criteria provided, single submitter. Criteria: Myriad Autosomal Dominant, Autosomal Recessive and X-Linked Classification Criteria (2023). Collection method: clinical testing. Allele origin: unknown.
Comment: This variant is considered benign. This variant is a silent/synonymous amino acid change and it is not expected to impact splicing.